The following is an entry in ClinVar:

ClinVar aggregate classification (germline): Uncertain significance (1 of 4 stars; one submission).

Allele frequency attached by ClinVar (database versions not stated): ExAC 0.00001.
gnomAD v4.1: 3 of 1,613,734 alleles (0.00019%); highest among the groups gnomAD compares: South Asian, 0.0011%; no homozygotes.

Submission:

Labcorp Genetics (formerly Invitae), Labcorp
Classification: Uncertain significance. Last evaluated: 2023-09-27. Review status: criteria provided, single submitter. Criteria: Invitae Variant Classification Sherloc (09022015). Collection method: clinical testing. Allele origin: germline.
Comment: This sequence change replaces alanine, which is neutral and non-polar, with serine, which is neutral and polar, at codon 1352 of the ANK3 protein (p.Ala1352Ser). This variant is present in population databases (rs759186781, gnomAD 0.0009%). This variant has not been reported in the literature in individuals affected with ANK3-related conditions. Advanced modeling of protein sequence and biophysical properties (such as structural, functional, and spatial information, amino acid conservation, physicochemical variation, residue mobility, and thermodynamic stability) has been performed at Invitae for this missense variant, however the output from this modeling did not meet the statistical confidence thresholds required to predict the impact of this variant on ANK3 protein function. In summary, the available evidence is currently insufficient to determine the role of this variant in disease. Therefore, it has been classified as a Variant of Uncertain Significance.

NM_020987.5(ANK3):c.4054G>T (p.Ala1352Ser)

Gene: ANK3 (ankyrin 3; minus strand). Cytogenetic location: 10q21.2.
Variant type: single nucleotide variant.
Coding change: c.4054G>T on transcript NM_020987.5 (MANE Select); coding-DNA position 4054, G replaced by T.
Protein change: p.Ala1352Ser; replaces alanine 1352 with serine.
Molecular consequence: missense variant.
Genome position (GRCh38, 1-based): chr10:60,084,622, C>A on the plus strand (G>T on the coding strand, the complement: ANK3 is on the minus strand). VCF-style: chr10-60084622-C-A. GRCh37 (hg19) VCF-style: chr10-61844380-C-A.
Other names: c.1456G>T, p.Ala486Ser (NM_001149.4); c.4036G>T, p.Ala1346Ser (NM_001204403.2); c.4057G>T, p.Ala1353Ser (NM_001204404.2); c.4054G>T, p.Ala1352Ser (NM_001320874.2); short protein forms A1353S, A1352S, A486S, A1346S.
Identifiers: ClinVar variation 2997058 (VCV002997058.3), dbSNP rs759186781, ClinGen allele CA5512349.